The following is an entry in ClinVar:

ClinVar aggregate classification (germline): Uncertain significance (1 of 4 stars; one submission).

Allele frequency attached by ClinVar (database versions not stated): gnomAD exomes below 0.00001.
gnomAD v4.1: 3 of 1,614,286 alleles (0.00019%); highest among the groups gnomAD compares: Non-Finnish European, 0.00025%; no homozygotes.

Submission:

CeGaT Center for Human Genetics Tuebingen
Classification: Uncertain significance. Last evaluated: 2024-04-01. Review status: criteria provided, single submitter. Criteria: CeGaT Center For Human Genetics Tuebingen Variant Classification Criteria Version 2. Collection method: clinical testing. Allele origin: germline. Affected: yes. Observed: 1 variant allele.
Comment: KMT2C: PM2

NM_170606.3(KMT2C):c.13443C>G (p.Asn4481Lys)

Gene: KMT2C (lysine methyltransferase 2C; minus strand). Cytogenetic location: 7q36.1.
Variant type: single nucleotide variant.
Coding change: c.13443C>G on transcript NM_170606.3 (MANE Select); coding-DNA position 13443, C replaced by G.
Protein change: p.Asn4481Lys; replaces asparagine 4481 with lysine.
Molecular consequence: missense variant.
Genome position (GRCh38, 1-based): chr7:152,148,484, G>C on the plus strand (C>G on the coding strand, the complement: KMT2C is on the minus strand). VCF-style: chr7-152148484-G-C. GRCh37 (hg19) VCF-style: chr7-151845569-G-C.
Other names: short protein forms N4481K.
Identifiers: ClinVar variation 3234673 (VCV003234673.20), dbSNP rs2129095329, ClinGen allele CA370091091.